The following is an entry in ClinVar:

NM_001111125.3(IQSEC2):c.4115G>A (p.Ser1372Asn)

Gene: IQSEC2 (IQ motif and Sec7 domain ArfGEF 2; minus strand). Cytogenetic location: Xp11.22.
Variant type: single nucleotide variant.
Coding change: c.4115G>A on transcript NM_001111125.3 (MANE Select); coding-DNA position 4115, G replaced by A.
Protein change: p.Ser1372Asn; replaces serine 1372 with asparagine.
Molecular consequence: missense variant. On other transcripts: 3 prime UTR variant (1).
Genome position (GRCh38, 1-based): chrX:53,234,571, C>T on the plus strand (G>A on the coding strand, the complement: IQSEC2 is on the minus strand). VCF-style: chrX-53234571-C-T. GRCh37 (hg19) VCF-style: chrX-53263753-C-T.
Other names: c.*600G>A (NM_001410736.1, NM_015075.2); short protein forms S1372N.
Identifiers: ClinVar variation 2013079 (VCV002013079.4), dbSNP rs2519669528, ClinGen allele CA413139466.

ClinVar aggregate classification (germline): Uncertain significance (1 of 4 stars; one submission).

Conditions:
Intellectual developmental disorder, X-linked 1. Also called: Atkin Flaitz Patil Smith syndrome; MENTAL RETARDATION, X-LINKED 18; MENTAL RETARDATION, X-LINKED 78; Intellectual disability, X-linked 1. Identifiers: Orphanet 777, MedGen C2931498, MONDO:0010656, OMIM 309530.

Submission:

Labcorp Genetics (formerly Invitae), Labcorp
Classification: Uncertain significance for Intellectual developmental disorder, X-linked 1. Last evaluated: 2023-11-27. Review status: criteria provided, single submitter. Criteria: Invitae Variant Classification Sherloc (09022015). Collection method: clinical testing. Allele origin: germline.
Comment: This sequence change replaces serine, which is neutral and polar, with asparagine, which is neutral and polar, at codon 1372 of the IQSEC2 protein (p.Ser1372Asn). This variant is not present in population databases (gnomAD no frequency). This variant has not been reported in the literature in individuals affected with IQSEC2-related conditions. ClinVar contains an entry for this variant (Variation ID: 2013079). Advanced modeling of protein sequence and biophysical properties (such as structural, functional, and spatial information, amino acid conservation, physicochemical variation, residue mobility, and thermodynamic stability) performed at Invitae indicates that this missense variant is not expected to disrupt IQSEC2 protein function with a negative predictive value of 95%. In summary, the available evidence is currently insufficient to determine the role of this variant in disease. Therefore, it has been classified as a Variant of Uncertain Significance.